The following is an entry in ClinVar:

NM_182894.3(VSX2):c.179dup (p.His60fs)

Gene: VSX2 (visual system homeobox 2; plus strand). Cytogenetic location: 14q24.3.
Variant type: Duplication.
Coding change: c.179dup on transcript NM_182894.3 (MANE Select); coding-DNA position 179, one base duplicated (A; older notation c.179dupA).
Protein change: p.His60fs; shifts the reading frame from histidine 60.
Molecular consequence: frameshift variant.
Genome position (GRCh38, 1-based): chr14:74,239,740, A duplicated. VCF-style (leftmost placement, unchanged base first): chr14-74239739-C-CA. GRCh37 (hg19) VCF-style: chr14-74706442-C-CA.
Other names: short protein forms H60fs.
Identifiers: ClinVar variation 1419627 (VCV001419627.6), dbSNP rs2139628524, ClinGen allele CA2573150165.
Genomic context (GRCh38, chr14:74,239,739, plus strand): 5'-TTGAACAAGGAGCCCCCGAGCTCCCACCCGCGGGCAGCGCTCGACGGCCTGGCCCCCGGG[C>CA]ACTTGCTGGCGGCGCGCTCAGTGCTCAGCCCCGCGGGGGTGGGCGGCATGGGGCTTCTGG-3'

ClinVar aggregate classification (germline): Pathogenic (1 of 4 stars; one submission).

Conditions:
Isolated microphthalmia 2. Identifiers: Orphanet 2542, MedGen C1864720, MONDO:0012409, OMIM 610093.

Submission:

Labcorp Genetics (formerly Invitae), Labcorp
Classification: Pathogenic for Isolated microphthalmia 2. Last evaluated: 2021-10-02. Review status: criteria provided, single submitter. Criteria: Invitae Variant Classification Sherloc (09022015). Collection method: clinical testing. Allele origin: germline.
Comment: This sequence change creates a premature translational stop signal (p.His60Glnfs*67) in the VSX2 gene. It is expected to result in an absent or disrupted protein product. Loss-of-function variants in VSX2 are known to be pathogenic (PMID: 20414678). The frequency data for this variant in the population databases is considered unreliable, as metrics indicate insufficient coverage at this position in the ExAC database. This variant has not been reported in the literature in individuals affected with VSX2-related conditions. For these reasons, this variant has been classified as Pathogenic.

Literature cited by the submitters: PubMed 20414678.